The following is an entry in ClinVar:

NM_001189.4(NKX3-2):c.365_366delinsTT (p.Ser122Phe)

Gene: NKX3-2 (NK3 homeobox 2; minus strand). Cytogenetic location: 4p15.33.
Variant type: Indel.
Coding change: c.365_366delinsTT on transcript NM_001189.4 (MANE Select); coding-DNA positions 365 to 366, CC replaced by TT.
Protein change: p.Ser122Phe; replaces serine 122 with phenylalanine.
Molecular consequence: missense variant.
Genome position (GRCh38, 1-based): chr4:13,544,049-13,544,050, GG replaced by AA on the plus strand (CC replaced by TT on the coding strand, the reverse complement: NKX3-2 is on the minus strand). VCF-style: chr4-13544049-GG-AA. GRCh37 (hg19) VCF-style: chr4-13545673-GG-AA.
Other names: short protein forms S122F.
Identifiers: ClinVar variation 2169934 (VCV002169934.3), dbSNP rs2474461087, ClinGen allele CA2580070845.

ClinVar aggregate classification (germline): Uncertain significance (1 of 4 stars; one submission).

Submission:

Labcorp Genetics (formerly Invitae), Labcorp
Classification: Uncertain significance. Last evaluated: 2024-09-09. Review status: criteria provided, single submitter. Criteria: Invitae Variant Classification Sherloc (09022015). Collection method: clinical testing. Allele origin: germline.
Comment: This sequence change replaces serine, which is neutral and polar, with phenylalanine, which is neutral and non-polar, at codon 122 of the NKX3-2 protein (p.Ser122Phe). This variant is present in population databases (no rsID available, gnomAD 0.002%). This variant has not been reported in the literature in individuals affected with NKX3-2-related conditions. ClinVar contains an entry for this variant (Variation ID: 2169934). An algorithm developed to predict the effect of missense changes on protein structure and function (PolyPhen-2) suggests that this variant¬†is likely to be tolerated. In summary, the available evidence is currently insufficient to determine the role of this variant in disease. Therefore, it has been classified as a Variant of Uncertain Significance.